The following is an entry in ClinVar:

NM_000018.4(ACADVL):c.865G>A (p.Gly289Arg)

Gene: ACADVL (acyl-CoA dehydrogenase very long chain; plus strand). Cytogenetic location: 17p13.1.
Variant type: single nucleotide variant.
Coding change: c.865G>A on transcript NM_000018.4 (MANE Select); coding-DNA position 865, G replaced by A.
Protein change: p.Gly289Arg; replaces glycine 289 with arginine.
Molecular consequence: missense variant.
Genome position (GRCh38, 1-based): chr17:7,222,289, G>A. VCF-style: chr17-7222289-G-A. GRCh37 (hg19) VCF-style: chr17-7125608-G-A.
Other names: NM_000018.4(ACADVL):c.865G>A; p.Gly289Arg; c.799G>A, p.Gly267Arg (NM_001033859.3); c.934G>A, p.Gly312Arg (NM_001270447.2); c.637G>A, p.Gly213Arg (NM_001270448.2); short protein forms G289R, G213R, G267R, G312R.
Identifiers: ClinVar variation 370981 (VCV000370981.45), dbSNP rs200788251, ClinGen allele CA8337873.

ClinVar aggregate classification (germline): Likely pathogenic. Review status: reviewed by expert panel (3 of 4 stars). 17 submissions from 17 submitters: Likely pathogenic (1). 16 of the submissions do not count toward it. Last evaluated 2023-06-27.

Conditions:
ACADVL-related disorder. Also called: ACADVL-related condition.
Very long chain acyl-CoA dehydrogenase deficiency (ACADVLD). Also called: VLCAD Deficiency; Very Long-Chain Acyl-Coenzyme A Dehydrogenase Deficiency. Identifiers: Orphanet 26793, MedGen C3887523, MONDO:0008723, OMIM 201475.

Allele frequency attached by ClinVar (database versions not stated): ExAC 0.00009; gnomAD exomes 0.00011; gnomAD 0.00013 and 0.00014; TOPMed 0.00014; 1000 Genomes Project 30x 0.00016; 1000 Genomes Project 0.00020; ESP Exome Variant Server 0.00031.
gnomAD v4.1: 314 of 1,613,998 alleles (0.019%); highest among the groups gnomAD compares: East Asian, 0.027%; no homozygotes.

Submissions 1 to 10 of 17:

ClinGen ACADVL Variant Curation Expert Panel, ClinGen
Classification: Likely pathogenic for Very long chain acyl-CoA dehydrogenase deficiency. Last evaluated: 2023-06-27. Review status: reviewed by expert panel. Criteria: clingen acadvl acmg specifications v1. Collection method: curation. Allele origin: germline. Inheritance: Autosomal recessive inheritance.
Comment: The c.865G>A (p.Gly289Arg) variant in ACADVL has been reported in the literature in patients with VLCADD and increased C14:1 acylcarnitine (PP4_moderate; PMID: 14517516, 23480858, 31031081, 32778825, 27209629). The variant has also been detected in compound heterozygote with truncating/pathogenic variants (PM3; PMID: 14517516, 23480858, 31031081). This variant is absent from gnomAD population database v2.1.1(PM2_Supporting). This variant causes significantly reduced enzyme activity (15% of WT) determined from a bacterial cell expression system and results in unstable protein product (PMID:23480858, PS3_supporting). The computational predictor REVEL gives a score of 0.824, which is above the threshold of 0.75, evidence that correlates with impact to ACADVL function (PP3). The ACADVL Variant Curation Expert Panel VCEP classified the variant as likely pathogenic based on (PS3_supporting, PM3, PM2_supporting, PP3, PP4_moderate).

Labcorp Genetics (formerly Invitae), Labcorp
Classification: Pathogenic for Very long chain acyl-CoA dehydrogenase deficiency. Last evaluated: 2026-01-31. Review status: criteria provided, single submitter. Criteria: Invitae Variant Classification Sherloc (09022015). Collection method: clinical testing. Allele origin: germline. Not counted in ClinVar's aggregate classification.
Comment: This sequence change replaces glycine, which is neutral and non-polar, with arginine, which is basic and polar, at codon 289 of the ACADVL protein (p.Gly289Arg). This variant is present in population databases (rs200788251, gnomAD 0.02%). This missense change has been observed in individual(s) with very long-chain acyl-CoA dehydrogenase deficiency (PMID: 14517516, 23480858, 27209629, 27246109). ClinVar contains an entry for this variant (Variation ID: 370981). Invitae Evidence Modeling of protein sequence and biophysical properties (such as structural, functional, and spatial information, amino acid conservation, physicochemical variation, residue mobility, and thermodynamic stability) has been performed for this missense variant. However, the output from this modeling did not meet the statistical confidence thresholds required to predict the impact of this variant on ACADVL protein function. Experimental studies have shown that this missense change affects ACADVL function (PMID: 23480858). For these reasons, this variant has been classified as Pathogenic.

Variantyx, Inc.
Classification: Likely pathogenic for Very long chain acyl-CoA dehydrogenase deficiency. Last evaluated: 2025-10-20. Review status: criteria provided, single submitter. Criteria: Variantyx Assertion Criteria 2022. Collection method: clinical testing. Allele origin: germline. Inheritance: Autosomal recessive inheritance. Affected: no. Not counted in ClinVar's aggregate classification.
Comment: This is a nonsynonymous variant in the ACADVL gene (OMIM: 609575). Pathogenic variants in this gene have been associated with autosomal recessive very long-chain acyl-CoA dehydrogenase deficiency. This variant has been identified in the homozygous or compound heterozygous state in at least 4 individuals reported in the published literature (PMID: 14517516, 23480858, 31031081, 27209629) (PM3). Functional studies have shown that this variant alters ACADVL protein function (PMID: 23480858) (PS3), and multiple computational algorithms predict a deleterious effect for this variant (REVEL score: 0.824) (PP3). This variant has a 0.0267% maximum allele frequency in non-founder control populations (PM2). Based on the current evidence, this variant is classified as likely pathogenic for autosomal recessive very long-chain acyl-CoA dehydrogenase deficiency.No other variant of clinical significance was identified in the ACADVL gene.

PreventionGenetics, part of Exact Sciences
Classification: Pathogenic for ACADVL-related condition. Last evaluated: 2025-10-10. Review status: criteria provided, single submitter. Criteria: ACMG Guidelines, 2015. Collection method: clinical testing. Allele origin: germline. Not counted in ClinVar's aggregate classification.
Comment: The ACADVL c.865G>A variant is predicted to result in the amino acid substitution p.Gly289Arg. This variant has previously been reported, along with a second ACADVL variant, in multiple patients with very long chain acyl-CoA dehydrogenase deficiency (VLCADD) (e.g., Pena et al. 2016. PubMed ID: 27209629; Schiff et al. 2013. PubMed ID: 23480858; Spiekerkoetter et al. 2003. PubMed ID: 14517516). The p.Gly289Arg substitution has been reported to reduce enzyme activity in patient fibroblast cells as well as protein expression in a prokaryotic expression system (Schiff et al. 2013. PubMed ID: 23480858). We have also observed this variant internally, in the apparent homozygous or compound heterozygous state, in two patients with suspected VLCADD. This variant is reported in 0.022% of alleles in individuals of European (Non-Finnish) descent in gnomAD and has been classified as likely pathogenic by the ClinGen ACADVL Variant Curation Expert Panel. In summary, we classify the c.865G>A (p.Gly289Arg) variant as pathogenic.

Natera, Inc.
Classification: Likely pathogenic for Very long chain acyl-CoA dehydrogenase deficiency. Last evaluated: 2025-07-27. Review status: criteria provided, single submitter. Criteria: Natera Variant Classification Schema (03/2026). Collection method: clinical testing. Allele origin: germline. Not counted in ClinVar's aggregate classification.
Comment: The c.865G>A variant in ACADVL is a missense variant predicted to cause substitution of glycine to arginine at amino acid 289. This variant is rare in the general population with a frequency below the threshold expected for the associated phenotype(s). This variant has been observed in one or more individuals affected with the associated recessive disease, as either homozygous or compound heterozygous with a second variant (PMID: 33123633, 35400565, 23798014, 31031081, 14517516). Computational prediction algorithms indicate this variant is likely to affect gene or protein function. Given the available evidence, this variant is classified as Likely Pathogenic.

Dasa
Classification: Likely pathogenic. Last evaluated: 2025-05-29. Review status: criteria provided, single submitter. Criteria: DASA Assertion Criteria. Collection method: clinical testing. Allele origin: germline. Not counted in ClinVar's aggregate classification.
Comment: NM_000018.4(ACADVL):c.865G>A (p.Gly289Arg) is a missense variant that results in the substitution of glycine with arginine. This variant has been recurrently observed in individuals with ACADVL-related disorders (PMID: 14517516; PMID: 23480858; PMID: 31031081). Functional evidence supports an impact on the gene or gene product (PMID: 14517516; PMID: 23480858; PMID: 31031081; PMID: 32778825; PMID: 27209629). Also, this variant is rare in population databases. Computational evidence supports a deleterious effect. Based on the currently available evidence, this variant is classified as likely pathogenic.

GeneDx
Classification: Pathogenic. Last evaluated: 2025-05-08. Review status: criteria provided, single submitter. Criteria: GeneDx Variant Classification Process June 2021. Collection method: clinical testing. Allele origin: germline. Affected: yes. Not counted in ClinVar's aggregate classification.
Comment: Published functional studies found this variant is associated with significantly reduced enzyme activity (PMID: 23480858); In silico analysis supports that this missense variant has a deleterious effect on protein structure/function; Also known as p.(G249R); This variant is associated with the following publications: (PMID: 25087612, 25242572, 20547398, 21228398, 31980526, 32778825, 31589614, 39160549, 27209629, 31031081, 33658040, 30194637, 23480858, 14517516, 23798014)

Fulgent Genetics
Classification: Pathogenic for Very long chain acyl-CoA dehydrogenase deficiency. Last evaluated: 2024-02-26. Review status: criteria provided, single submitter. Criteria: ACMG Guidelines, 2015. Collection method: clinical testing. Allele origin: germline. Not counted in ClinVar's aggregate classification.

Laboratory of Medical Genetics, National & Kapodistrian University of Athens
Classification: Pathogenic for Very long chain acyl-CoA dehydrogenase deficiency. Last evaluated: 2023-10-02. Review status: criteria provided, single submitter. Criteria: ACMG Guidelines, 2015. Collection method: clinical testing. Allele origin: germline. Affected: yes. Not counted in ClinVar's aggregate classification.
Comment: PM1, PM2, PM3, PP2, PP3, PP5 - The variant has been reported in ClinVar by other laboratories (Variation ID 370981). Low frequency in gnomAD population databases. In silico prediction tools estimated that the variant could be damaging for the protein function/stracture. It was detected in trans with another pathogenic variant. It has been reported in the literature as a compound heterozygous genotype in multiple individuals affected with Very Long Chain Acyl-CoA Dehydrogenase Deficiency (PMID: 31031081, 30194637).

Department of Human Genetics, Hannover Medical School
Classification: Likely pathogenic for Very long chain acyl-CoA dehydrogenase deficiency. Last evaluated: 2023-05-08. Review status: criteria provided, single submitter. Criteria: ACMG Guidelines, 2015. Collection method: clinical testing. Allele origin: germline. Inheritance: Autosomal recessive inheritance. Affected: yes. Not counted in ClinVar's aggregate classification.